The following is an entry in ClinVar:

NM_001085372.3(UQCC3):c.226T>G (p.Trp76Gly)

Genes: LBHD1 (LBH domain containing 1; minus strand), UQCC3 (ubiquinol-cytochrome c reductase complex assembly factor 3; plus strand). Cytogenetic location: 11q12.3.
Variant type: single nucleotide variant.
Coding change: c.226T>G on transcript NM_001085372.3 (MANE Select); coding-DNA position 226, T replaced by G.
Protein change: p.Trp76Gly; replaces tryptophan 76 with glycine.
Molecular consequence: missense variant.
Genome position (GRCh38, 1-based): chr11:62,672,058, T>G. VCF-style: chr11-62672058-T-G. GRCh37 (hg19) VCF-style: chr11-62439530-T-G.
Other names: short protein forms W76G.
Identifiers: ClinVar variation 376907 (VCV000376907.14), dbSNP rs143509965, ClinGen allele CA6052595.
Genomic context (GRCh38, chr11:62,672,058, plus strand): 5'-ACCCAGCAGCTATTGCTGGCCACTCTGCAGGAGGCAGCGACCACGCAGGAGAACGTGGCC[T>G]GGAGGAAGAACTGGATGGTTGGCGGCGAAGGCGGCGCCGGCGGGAGGTCACCGTGAGACC-3'
Protein context (NP_001078841.1, residues 66-86): EAATTQENVA[Trp76Gly]RKNWMVGGEG

ClinVar aggregate classification (germline): Benign/Likely benign. Review status: criteria provided, multiple submitters, no conflicts (2 of 4 stars). 4 submissions from 4 submitters: Benign (2); Likely benign (2). Last evaluated 2025-12-17.

Allele frequency attached by ClinVar (database versions not stated): gnomAD exomes 0.00071 and 0.00162; ExAC 0.00239; 1000 Genomes Project 0.00599; 1000 Genomes Project 30x 0.00640; gnomAD 0.00726 and 0.00781; ESP Exome Variant Server 0.00749; TOPMed 0.00786.
gnomAD v4.1: 2,165 of 1,609,326 alleles (0.13%); highest among the groups gnomAD compares: African/African-American, 2.6%; 24 homozygotes.

Submissions (4):

Labcorp Genetics (formerly Invitae), Labcorp
Classification: Benign. Last evaluated: 2025-12-17. Review status: criteria provided, single submitter. Criteria: Invitae Variant Classification Sherloc (09022015). Collection method: clinical testing. Allele origin: germline.

GeneDx
Classification: Benign. Last evaluated: 2017-02-15. Review status: criteria provided, single submitter. Criteria: GeneDx Variant Classification (06012015). Collection method: clinical testing. Allele origin: germline. Affected: yes.
Comment: This variant is considered likely benign or benign based on one or more of the following criteria: it is a conservative change, it occurs at a poorly conserved position in the protein, it is predicted to be benign by multiple in silico algorithms, and/or has population frequency not consistent with disease.

Center for Pediatric Genomic Medicine, Children's Mercy Hospital and Clinics
Classification: Likely benign. Last evaluated: 2016-12-30. Review status: criteria provided, single submitter. Criteria: ACMG Guidelines, 2015. Collection method: clinical testing. Allele origin: germline.
ClinVar note: Converted during submission from Likely Benign to Likely benign.

Breakthrough Genomics
Classification: Likely benign. Review status: criteria provided, single submitter. Criteria: ACMG Guidelines, 2015. Collection method: not provided. Allele origin: germline. Inheritance: Autosomal recessive inheritance. Affected: yes.